The following is an entry in ClinVar:

ClinVar aggregate classification (germline): Pathogenic. Review status: reviewed by expert panel (3 of 4 stars). 2 submissions from 2 submitters: Pathogenic (1). 1 of the submissions does not count toward it. Last evaluated 2016-10-18.

Conditions:
Breast-ovarian cancer, familial, susceptibility to, 1 (BROVCA1). Also called: BRCA1 Hereditary Breast and Ovarian Cancer; OVARIAN CANCER, SUSCEPTIBILITY TO. Identifiers: Orphanet 145, MedGen C2676676, MONDO:0011450, OMIM 604370. Disease mechanism: loss of function.

Submissions (2):

Evidence-based Network for the Interpretation of Germline Mutant Alleles (ENIGMA)
Classification: Pathogenic for Breast-ovarian cancer, familial, susceptibility to, 1. Last evaluated: 2016-10-18. Review status: reviewed by expert panel. Criteria: ENIGMA BRCA1/2 Classification Criteria (2015). Collection method: curation. Allele origin: germline.
Comment: Variant allele predicted to encode a truncated non-functional protein.

Consortium of Investigators of Modifiers of BRCA1/2 (CIMBA), c/o University of Cambridge
Classification: Pathogenic for Breast-ovarian cancer, familial, susceptibility to, 1. Last evaluated: 2015-10-02. Review status: criteria provided, single submitter. Criteria: CIMBA Mutation Classification guidelines May 2016. Collection method: clinical testing. Allele origin: germline. Not counted in ClinVar's aggregate classification.

NM_007294.4(BRCA1):c.4878dup (p.Ala1627fs)

Gene: BRCA1 (BRCA1 DNA repair associated; minus strand). Cytogenetic location: 17q21.31.
Variant type: Duplication.
Coding change: c.4878dup on transcript NM_007294.4 (MANE Select); coding-DNA position 4878, one base duplicated (T; older notation c.4878dupT).
Protein change: p.Ala1627fs; shifts the reading frame from alanine 1627.
Molecular consequence: frameshift variant. On other transcripts: non-coding transcript variant (1).
Genome position (GRCh38, 1-based): chr17:43,071,036, A duplicated on the plus strand (T on the coding strand, the reverse complement: BRCA1 is on the minus strand). VCF-style (leftmost placement, unchanged base first): chr17-43071035-C-CA. GRCh37 (hg19) VCF-style: chr17-41223052-C-CA.
Other names: 4997dupT; c.4665dup, p.Ala1556Cysfs (NM_001407571.1, NM_001407894.1, NM_001407895.1 and 12 more transcripts); c.4944dup, p.Ala1649Cysfs (NM_001407581.1, NM_001407582.1); c.4941dup, p.Ala1648Cysfs (NM_001407583.1, NM_001407585.1, NM_001407587.1); c.4938dup, p.Ala1647Cysfs (NM_001407590.1, NM_001407591.1); c.4878dup, p.Ala1627Cysfs (NM_001407593.1, NM_001407594.1, NM_001407596.1 and 8 more transcripts); c.4875dup, p.Ala1626Cysfs (NM_001407610.1, NM_001407611.1, NM_001407612.1 and 17 more transcripts); c.4872dup, p.Ala1625Cysfs (NM_001407627.1, NM_001407628.1, NM_001407629.1 and 14 more transcripts); and 74 more; short protein forms A1580fs, A523fs, A1648fs, A1627fs.
Identifiers: ClinVar variation 266501 (VCV000266501.6), dbSNP rs886040253, ClinGen allele CA10589640.